The following is an entry in ClinVar:

NM_003611.3(OFD1):c.1268_1272del (p.Gln423fs)

Gene: OFD1 (OFD1 centriole and centriolar satellite protein; plus strand). Cytogenetic location: Xp22.2.
Variant type: Microsatellite.
Coding change: c.1268_1272del on transcript NM_003611.3 (MANE Select); coding-DNA positions 1268 to 1272, 5 bases deleted (AAAAC; older notation c.1268_1272delAAAAC).
Protein change: p.Gln423fs; shifts the reading frame from glutamine 423.
Molecular consequence: frameshift variant.
Genome position (GRCh38, 1-based): chrX:13,756,624-13,756,628, AAAAC deleted; deleting any 5 consecutive bases within chrX:13,756,616-13,756,628 gives the same sequence; the c. name uses the placement nearest the transcript's 3' end. VCF-style (leftmost placement, unchanged base first): chrX-13756615-TAACAA-T. GRCh37 (hg19) VCF-style: chrX-13774734-TAACAA-T.
Other names: c.1148_1152del, p.Gln383fs (NM_001330209.2); c.848_852del, p.Gln283fs (NM_001330210.2); c.1268_1272del5 (NM_003611.2); short protein forms Q383fs, Q423fs, Q283fs.
Identifiers: ClinVar variation 2631653 (VCV002631653.2), dbSNP rs312262871, ClinGen allele CA343962.

ClinVar aggregate classification (germline): Pathogenic. Review status: criteria provided, multiple submitters, no conflicts (2 of 4 stars). 2 submissions from 2 submitters: Pathogenic (2). Last evaluated 2024-02-06.

Conditions:
Orofaciodigital syndrome I (OFD1). Also called: OFDS I; Papillon-Leage and Psaume Syndrome; Oral-Facial-Digital Syndrome Type I. Identifiers: Orphanet 2750, MedGen C1510460, MONDO:0010702, OMIM 311200.
OFD1-related disorder. Also called: OFD1-related condition.

Submissions (2):

Laboratoire de Génétique Moléculaire, CHU Bordeaux
Classification: Pathogenic for Orofaciodigital syndrome I. Last evaluated: 2024-02-06. Review status: criteria provided, single submitter. Criteria: ACMG Guidelines, 2015. Collection method: clinical testing. Allele origin: germline. Affected: yes.

PreventionGenetics, part of Exact Sciences
Classification: Pathogenic for OFD1-related condition. Last evaluated: 2023-07-10. Review status: criteria provided, single submitter. Criteria: ACMG Guidelines, 2015. Collection method: clinical testing. Allele origin: germline.
Comment: The OFD1 c.1268_1272del5 variant is predicted to result in a frameshift and premature protein termination (p.Gln423Profs*5). This variant has been reported to have arisen de novo in an individual with oral-facial-digital syndrome I (Prattichizzo et al 2008. PubMed ID: 18546297). This variant has not been reported in a large population database, indicating this variant is rare. Frameshift variants in OFD1 are expected to be pathogenic. This variant is interpreted as pathogenic.